The following is an entry in ClinVar:

NM_001003694.2(BRPF1):c.1300del (p.Thr434fs)

Gene: BRPF1 (bromodomain and PHD finger containing 1; plus strand). Cytogenetic location: 3p25.3.
Variant type: Deletion.
Coding change: c.1300del on transcript NM_001003694.2 (MANE Select); coding-DNA position 1300, one base deleted (A; older notation c.1300delA).
Protein change: p.Thr434fs; shifts the reading frame from threonine 434.
Molecular consequence: frameshift variant. On other transcripts: non-coding transcript variant (1).
Genome position (GRCh38, 1-based): chr3:9,739,699, A deleted. VCF-style (leftmost placement, unchanged base first): chr3-9739698-CA-C. GRCh37 (hg19) VCF-style: chr3-9781382-CA-C.
Other names: c.1300del, p.Thr434fs (NM_001319049.2, NM_001319050.2, NM_004634.3); short protein forms T434fs.
Identifiers: ClinVar variation 503926 (VCV000503926.2), dbSNP rs1553695254, ClinGen allele CA658796234.

ClinVar aggregate classification (germline): Pathogenic (1 of 4 stars; one submission).

Submission:

GeneDx
Classification: Pathogenic. Last evaluated: 2017-12-14. Review status: criteria provided, single submitter. Criteria: GeneDx Variant Classification (06012015). Collection method: clinical testing. Allele origin: germline. Affected: yes.
Comment: The c.1300delA variant in the BRPF1 gene has not been reported previously as a pathogenic variantnor as a benign variant, to our knowledge. The c.1300delA variant causes a frameshift starting withcodon Threonine 434, changes this amino acid to a Proline residue, and creates a premature Stop codon at position 61 of the new reading frame, denoted p.Thr434ProfsX61. This variant is predicted to cause loss of normal protein function either through protein truncation or nonsense-mediated mRNA decay. The c.1300delA variant is not observed in large population cohorts (Lek et al., 2016). We interpret c.1300delA as a pathogenic variant.